The following is an entry in ClinVar:

ClinVar aggregate classification (germline): Uncertain significance (1 of 4 stars; one submission).

Allele frequency attached by ClinVar (database versions not stated): TOPMed 0.00003; gnomAD 0.00003; gnomAD exomes below 0.00001.
gnomAD v4.1: 11 of 1,614,126 alleles (0.00068%); highest among the groups gnomAD compares: Admixed American, 0.0017%; no homozygotes.

Submission:

Labcorp Genetics (formerly Invitae), Labcorp
Classification: Uncertain significance. Last evaluated: 2025-12-23. Review status: criteria provided, single submitter. Criteria: Invitae Variant Classification Sherloc (09022015). Collection method: clinical testing. Allele origin: germline.
Comment: This sequence change replaces methionine, which is neutral and non-polar, with valine, which is neutral and non-polar, at codon 413 of the DHX32 protein (p.Met413Val). This variant is present in population databases (no rsID available, gnomAD 0.0009%). This variant has not been reported in the literature in individuals affected with DHX32-related conditions. ClinVar contains an entry for this variant (Variation ID: 1954687). An algorithm developed to predict the effect of missense changes on protein structure and function (PolyPhen-2) suggests that this variant is likely to be tolerated. In summary, the available evidence is currently insufficient to determine the role of this variant in disease. Therefore, it has been classified as a Variant of Uncertain Significance.

NM_018180.3(DHX32):c.1237A>G (p.Met413Val)

Genes: BCCIP (BRCA2 and CDKN1A interacting protein; plus strand), DHX32 (DEAH-box helicase 32 (putative); minus strand). Cytogenetic location: 10q26.2.
Variant type: single nucleotide variant.
Coding change: c.1237A>G on transcript NM_018180.3 (MANE Select); coding-DNA position 1237, A replaced by G.
Protein change: p.Met413Val; replaces methionine 413 with valine.
Molecular consequence: missense variant. On other transcripts: intron variant (1).
Genome position (GRCh38, 1-based): chr10:125,852,407, T>C on the plus strand (A>G on the coding strand, the complement: DHX32 is on the minus strand). VCF-style: chr10-125852407-T-C. GRCh37 (hg19) VCF-style: chr10-127540976-T-C.
Other names: c.851-718T>C (NM_016567.4); short protein forms M413V.
Identifiers: ClinVar variation 1954687 (VCV001954687.5), dbSNP rs902561350, ClinGen allele CA215346026.